The following is an entry in ClinVar:

ClinVar aggregate classification (germline): Uncertain significance (1 of 4 stars; one submission).

Conditions:
2-aminoadipic 2-oxoadipic aciduria (AAKAD). Also called: ALPHA-AMINOADIPIC AND ALPHA-KETOADIPIC ACIDURIA; Aminoadipic aciduria. Identifiers: Orphanet 79154, MedGen C1859817, MONDO:0008774, OMIM 204750.

Submission:

Labcorp Genetics (formerly Invitae), Labcorp
Classification: Uncertain significance for 2-aminoadipic 2-oxoadipic aciduria. Last evaluated: 2025-01-16. Review status: criteria provided, single submitter. Criteria: Invitae Variant Classification Sherloc (09022015). Collection method: clinical testing. Allele origin: germline.
Comment: This sequence change replaces serine, which is neutral and polar, with isoleucine, which is neutral and non-polar, at codon 359 of the DHTKD1 protein (p.Ser359Ile). This variant is not present in population databases (gnomAD no frequency). This variant has not been reported in the literature in individuals affected with DHTKD1-related conditions. Invitae Evidence Modeling of protein sequence and biophysical properties (such as structural, functional, and spatial information, amino acid conservation, physicochemical variation, residue mobility, and thermodynamic stability) indicates that this missense variant is not expected to disrupt DHTKD1 protein function with a negative predictive value of 80%. In summary, the available evidence is currently insufficient to determine the role of this variant in disease. Therefore, it has been classified as a Variant of Uncertain Significance.

NM_018706.7(DHTKD1):c.1076G>T (p.Ser359Ile)

Gene: DHTKD1 (dehydrogenase E1 and transketolase domain containing 1; plus strand). Cytogenetic location: 10p14.
Variant type: single nucleotide variant.
Coding change: c.1076G>T on transcript NM_018706.7 (MANE Select); coding-DNA position 1076, G replaced by T.
Protein change: p.Ser359Ile; replaces serine 359 with isoleucine.
Molecular consequence: missense variant.
Genome position (GRCh38, 1-based): chr10:12,091,601, G>T. VCF-style: chr10-12091601-G-T. GRCh37 (hg19) VCF-style: chr10-12133600-G-T.
Other names: short protein forms S359I.
Identifiers: ClinVar variation 3618064 (VCV003618064.2).